The following is an entry in ClinVar:

ClinVar aggregate classification (germline): Uncertain significance (1 of 4 stars; one submission).

Submission:

Labcorp Genetics (formerly Invitae), Labcorp
Classification: Uncertain significance. Last evaluated: 2024-01-23. Review status: criteria provided, single submitter. Criteria: Invitae Variant Classification Sherloc (09022015). Collection method: clinical testing. Allele origin: germline.
Comment: This sequence change replaces asparagine, which is neutral and polar, with lysine, which is basic and polar, at codon 97 of the STAT4 protein (p.Asn97Lys). This variant is not present in population databases (gnomAD no frequency). This variant has not been reported in the literature in individuals affected with STAT4-related conditions. Advanced modeling of protein sequence and biophysical properties (such as structural, functional, and spatial information, amino acid conservation, physicochemical variation, residue mobility, and thermodynamic stability) performed at Invitae indicates that this missense variant is not expected to disrupt STAT4 protein function with a negative predictive value of 80%. In summary, the available evidence is currently insufficient to determine the role of this variant in disease. Therefore, it has been classified as a Variant of Uncertain Significance.

NM_003151.4(STAT4):c.291T>A (p.Asn97Lys)

Gene: STAT4 (signal transducer and activator of transcription 4; minus strand). Cytogenetic location: 2q32.2.
Variant type: single nucleotide variant.
Coding change: c.291T>A on transcript NM_003151.4 (MANE Select); coding-DNA position 291, T replaced by A.
Protein change: p.Asn97Lys; replaces asparagine 97 with lysine.
Molecular consequence: missense variant.
Genome position (GRCh38, 1-based): chr2:191,076,308, A>T on the plus strand (T>A on the coding strand, the complement: STAT4 is on the minus strand). VCF-style: chr2-191076308-A-T. GRCh37 (hg19) VCF-style: chr2-191941034-A-T.
Other names: c.291T>A, p.Asn97Lys (NM_001243835.2); short protein forms N97K.
Identifiers: ClinVar variation 2726505 (VCV002726505.3), dbSNP rs1559055945, ClinGen allele CA349920596.
Genomic context (GRCh38, chr2:191,076,308, plus strand): 5'-AGCCAATATTCTCCTCTCTTCCCTTAAACAGTTTGAAATAACCACAGCTACATGCATTGG[A>T]TTTCCATGAAATTTTCCCTGAAAAAAAAAACAATGAGCAAAAATAACTAACGTAAAGCTT-3'
Protein context (NP_003142.1, residues 87-107): RKVLQGKFHG[Asn97Lys]PMHVAVVISN